The following is an entry in ClinVar:

ClinVar aggregate classification (germline): Conflicting classifications of pathogenicity. Review status: criteria provided, conflicting classifications (1 of 4 stars). 10 submissions from 8 submitters: Uncertain significance (3); Benign (4); Likely benign (3). Last evaluated 2026-09-01.

Conditions:
Hereditary spherocytosis type 3. Also called: SPTA1-Related Spherocytosis; Spherocytosis type 3. Identifiers: Orphanet 822, MedGen C2678338, MONDO:0010053, OMIM 270970.
Pyropoikilocytosis, hereditary. Also called: Pyropoikilocytosis. Identifiers: MedGen C0520739, MONDO:0009948, OMIM 266140, HP:0004839. Disease mechanism: loss of function.
Elliptocytosis 2 (EL2). Also called: ELLIPTOCYTOSIS, RHESUS-UNLINKED TYPE. Identifiers: Orphanet 288, MedGen C1851741, MONDO:0007533, OMIM 130600.

Allele frequency attached by ClinVar (database versions not stated): 1000 Genomes Project 0.00639; 1000 Genomes Project 30x 0.00656; TOPMed 0.01065; ESP Exome Variant Server 0.01274; gnomAD 0.01296 and 0.01332; gnomAD exomes 0.01403; ExAC 0.01456.
gnomAD v4.1: 25,289 of 1,613,718 alleles (1.6%); highest among the groups gnomAD compares: Non-Finnish European, 1.8%; 230 homozygotes.

Submissions (10):

CeGaT Center for Human Genetics Tuebingen
Classification: Likely benign. Last evaluated: 2026-09-01. Review status: criteria provided, single submitter. Criteria: CeGaT Center For Human Genetics Tuebingen Variant Classification Criteria Version 2. Collection method: clinical testing. Allele origin: germline. Affected: yes. Observed: 60 variant alleles.
Comment: SPTA1: BP4

Labcorp Genetics (formerly Invitae), Labcorp
Classification: Benign. Last evaluated: 2026-01-28. Review status: criteria provided, single submitter. Criteria: Invitae Variant Classification Sherloc (09022015). Collection method: clinical testing. Allele origin: germline.

Mayo Clinic Laboratories, Mayo Clinic
Classification: Uncertain significance. Last evaluated: 2025-11-04. Review status: criteria provided, single submitter. Criteria: ACMG Guidelines, 2015. Collection method: clinical testing. Allele origin: germline. Observed: 56 variant alleles.

ARUP Laboratories, Molecular Genetics and Genomics, ARUP Laboratories
Classification: Likely benign. Last evaluated: 2025-06-10. Review status: criteria provided, single submitter. Criteria: ARUP Molecular Germline Variant Investigation Process 2024. Collection method: clinical testing. Allele origin: germline.

Blueprint Genetics
Classification: Likely benign. Last evaluated: 2024-11-26. Review status: criteria provided, single submitter. Criteria: ACMG Guidelines, 2015. Collection method: clinical testing. Allele origin: germline.

GeneDx
Classification: Benign. Last evaluated: 2021-05-10. Review status: criteria provided, single submitter. Criteria: GeneDx Variant Classification Process June 2021. Collection method: clinical testing. Allele origin: germline. Affected: yes.
Comment: This variant is associated with the following publications: (PMID: 29396846)

Illumina Laboratory Services, Illumina
Classification: Uncertain significance for Pyropoikilocytosis, hereditary. Last evaluated: 2018-01-13. Review status: criteria provided, single submitter. Criteria: ICSL Variant Classification Criteria 13 December 2019. Collection method: clinical testing. Allele origin: germline.

Illumina Laboratory Services, Illumina
Classification: Uncertain significance for Hereditary spherocytosis type 3. Last evaluated: 2018-01-13. Review status: criteria provided, single submitter. Criteria: ICSL Variant Classification Criteria 13 December 2019. Collection method: clinical testing. Allele origin: germline.

Illumina Laboratory Services, Illumina
Classification: Benign for Elliptocytosis 2. Last evaluated: 2018-01-13. Review status: criteria provided, single submitter. Criteria: ICSL Variant Classification Criteria 13 December 2019. Collection method: clinical testing. Allele origin: germline.
Comment: This variant was observed in the ICSL laboratory as part of a predisposition screen in an ostensibly healthy population. It had not been previously curated by ICSL or reported in the Human Gene Mutation Database (HGMD: prior to June 1st, 2018), and was therefore a candidate for classification through an automated scoring system. Utilizing variant allele frequency, disease prevalence and penetrance estimates, and inheritance mode, an automated score was calculated to assess if this variant is too frequent to cause the disease. Based on the score and internal cut-off values, a variant classified as benign is not then subjected to further curation. The score for this variant resulted in a classification of benign for this disease.

PreventionGenetics, part of Exact Sciences
Classification: Benign. Review status: criteria provided, single submitter. Criteria: ACMG Guidelines, 2015. Collection method: clinical testing. Allele origin: germline.

Literature cited by the submitters: PubMed 29396846 (cited by Mayo Clinic Laboratories, Mayo Clinic); PubMed 38069343 (cited by Mayo Clinic Laboratories, Mayo Clinic).

NM_003126.4(SPTA1):c.4490G>A (p.Gly1497Glu)

Gene: SPTA1 (spectrin alpha, erythrocytic 1; minus strand). Cytogenetic location: 1q23.1.
Variant type: single nucleotide variant.
Coding change: c.4490G>A on transcript NM_003126.4 (MANE Select); coding-DNA position 4490, G replaced by A.
Protein change: p.Gly1497Glu; replaces glycine 1497 with glutamic acid.
Molecular consequence: missense variant.
Genome position (GRCh38, 1-based): chr1:158,642,929, C>T on the plus strand (G>A on the coding strand, the complement: SPTA1 is on the minus strand). VCF-style: chr1-158642929-C-T. GRCh37 (hg19) VCF-style: chr1-158612719-C-T.
Other names: short protein forms G1497E.
Identifiers: ClinVar variation 258940 (VCV000258940.53), dbSNP rs41273523, ClinGen allele CA1182673.
Genomic context (GRCh38, chr1:158,642,929, plus strand): 5'-CTGATCCATTCTTCCAGCTCCTCAAGGTCTCGGTAGAATTGTTTTAGGTTGGCATAGTCT[C>T]CAAGCTTTGTCCGCTCATCAATCAGTTGTGCTTTGAGAGCCTTCCACCTAGAGGACGGAG-3'
Protein context (NP_003117.2, residues 1487-1507): AQLIDERTKL[Gly1497Glu]DYANLKQFYR